The following is an entry in ClinVar:

NM_015346.4(ZFYVE26):c.662C>G (p.Ala221Gly)

Gene: ZFYVE26 (zinc finger FYVE-type containing 26; minus strand). Cytogenetic location: 14q24.1.
Variant type: single nucleotide variant.
Coding change: c.662C>G on transcript NM_015346.4 (MANE Select); coding-DNA position 662, C replaced by G.
Protein change: p.Ala221Gly; replaces alanine 221 with glycine.
Molecular consequence: missense variant.
Genome position (GRCh38, 1-based): chr14:67,807,622, G>C on the plus strand (C>G on the coding strand, the complement: ZFYVE26 is on the minus strand). VCF-style: chr14-67807622-G-C. GRCh37 (hg19) VCF-style: chr14-68274339-G-C.
Other names: short protein forms A221G.
Identifiers: ClinVar variation 2056260 (VCV002056260.3), dbSNP rs757759214, ClinGen allele CA7240741.

ClinVar aggregate classification (germline): Uncertain significance (1 of 4 stars; one submission).

Conditions:
Spastic paraplegia. Identifiers: MedGen C0037772, HP:0001258.

Allele frequency attached by ClinVar (database versions not stated): TOPMed below 0.00001; ExAC 0.00002; gnomAD 0.00001.
gnomAD v4.1: 11 of 1,614,086 alleles (0.00068%); highest among the groups gnomAD compares: South Asian, 0.0077%; no homozygotes.

Submission:

Labcorp Genetics (formerly Invitae), Labcorp
Classification: Uncertain significance for Spastic paraplegia. Last evaluated: 2024-08-12. Review status: criteria provided, single submitter. Criteria: Invitae Variant Classification Sherloc (09022015). Collection method: clinical testing. Allele origin: germline.
Comment: This sequence change replaces alanine, which is neutral and non-polar, with glycine, which is neutral and non-polar, at codon 221 of the ZFYVE26 protein (p.Ala221Gly). This variant is present in population databases (rs757759214, gnomAD 0.006%). This variant has not been reported in the literature in individuals affected with ZFYVE26-related conditions. ClinVar contains an entry for this variant (Variation ID: 2056260). An algorithm developed to predict the effect of missense changes on protein structure and function (PolyPhen-2) suggests that this variant is likely to be tolerated. In summary, the available evidence is currently insufficient to determine the role of this variant in disease. Therefore, it has been classified as a Variant of Uncertain Significance.